The following is an entry in ClinVar:

ClinVar aggregate classification (germline): Uncertain significance (1 of 4 stars; one submission).

Conditions:
Cohen syndrome (COH1). Also called: PEPPER SYNDROME; Cutis verticis gyrata, retinitis pigmentosa, and sensorineural deafness. Identifiers: Orphanet 193, MedGen C0265223, MONDO:0008999, OMIM 216550.

Allele frequency attached by ClinVar (database versions not stated): gnomAD 0.00001; gnomAD exomes 0.00001.
gnomAD v4.1: 4 of 1,613,830 alleles (0.00025%); highest among the groups gnomAD compares: South Asian, 0.0044%; no homozygotes.

Submission:

Labcorp Genetics (formerly Invitae), Labcorp
Classification: Uncertain significance for Cohen syndrome. Last evaluated: 2022-05-31. Review status: criteria provided, single submitter. Criteria: Invitae Variant Classification Sherloc (09022015). Collection method: clinical testing. Allele origin: germline.
Comment: This sequence change replaces threonine, which is neutral and polar, with isoleucine, which is neutral and non-polar, at codon 180 of the VPS13B protein (p.Thr180Ile). This variant is present in population databases (no rsID available, gnomAD 0.006%). This variant has not been reported in the literature in individuals affected with VPS13B-related conditions. Algorithms developed to predict the effect of missense changes on protein structure and function are either unavailable or do not agree on the potential impact of this missense change (SIFT: "Not Available"; PolyPhen-2: "Possibly Damaging"; Align-GVGD: "Not Available"). In summary, the available evidence is currently insufficient to determine the role of this variant in disease. Therefore, it has been classified as a Variant of Uncertain Significance.

NM_152564.5(VPS13B):c.539C>T (p.Thr180Ile)

Gene: VPS13B (vacuolar protein sorting 13 homolog B; plus strand). Cytogenetic location: 8q22.2.
Variant type: single nucleotide variant.
Coding change: c.539C>T on transcript NM_152564.5 (MANE Select); coding-DNA position 539, C replaced by T.
Protein change: p.Thr180Ile; replaces threonine 180 with isoleucine.
Molecular consequence: missense variant. On other transcripts: non-coding transcript variant (1).
Genome position (GRCh38, 1-based): chr8:99,103,079, C>T. VCF-style: chr8-99103079-C-T. GRCh37 (hg19) VCF-style: chr8-100115307-C-T.
Other names: c.539C>T, p.Thr180Ile (NM_015243.3, NM_017890.5, NM_181661.3); short protein forms T180I.
Identifiers: ClinVar variation 1900637 (VCV001900637.2), dbSNP rs1448614713, ClinGen allele CA371859483.